The following is an entry in ClinVar:

NM_001042492.3(NF1):c.1094C>G (p.Ser365Ter)

Gene: NF1 (neurofibromin 1; plus strand). Cytogenetic location: 17q11.2.
Variant type: single nucleotide variant.
Coding change: c.1094C>G on transcript NM_001042492.3 (MANE Select); coding-DNA position 1094, C replaced by G.
Protein change: p.Ser365Ter; replaces serine 365 with a stop codon.
Molecular consequence: nonsense.
Genome position (GRCh38, 1-based): chr17:31,201,068, C>G. VCF-style: chr17-31201068-C-G. GRCh37 (hg19) VCF-style: chr17-29528086-C-G.
Other names: c.1094C>G, p.Ser365Ter (NM_000267.4, NM_001128147.3); short protein forms S365*.
Identifiers: ClinVar variation 439995 (VCV000439995.21), dbSNP rs864622107, ClinGen allele CA398996822.

ClinVar aggregate classification (germline): Pathogenic. Review status: criteria provided, multiple submitters, no conflicts (2 of 4 stars). 6 submissions from 6 submitters: Pathogenic (6). Last evaluated 2025-07-02.

Conditions:
NF1-related disorder. Also called: NF1-related condition. Identifiers: MedGen CN379171.
Neurofibromatosis, type 1 (NF1). Also called: Neurofibromatosis, type I; Peripheral type neurofibromatosis; VON RECKLINGHAUSEN DISEASE; NEUROFIBROMATOSIS, TYPE I, SOMATIC. Identifiers: Orphanet 636, MedGen C0027831, MONDO:0018975, OMIM 162200. Disease mechanism: loss of function.

Submissions (6):

Labcorp Genetics (formerly Invitae), Labcorp
Classification: Pathogenic for Neurofibromatosis, type 1. Last evaluated: 2025-07-02. Review status: criteria provided, single submitter. Criteria: Invitae Variant Classification Sherloc (09022015). Collection method: clinical testing. Allele origin: germline.
Comment: This sequence change creates a premature translational stop signal (p.Ser365*) in the NF1 gene. It is expected to result in an absent or disrupted protein product. Loss-of-function variants in NF1 are known to be pathogenic (PMID: 10712197, 23913538). This variant is not present in population databases (gnomAD no frequency). This premature translational stop signal has been observed in individual(s) with neurofibromatosis type-1 and pulmonary hypertension (PMID: 21512413; internal data). Invitae Evidence Modeling of clinical and family history, age, sex, and reported ancestry of multiple individuals with this NF1 variant has been performed. This variant is expected to be pathogenic with a positive predictive value of at least 99%. This is a validated machine learning model that incorporates the clinical features of 1,785,918 individuals referred to our laboratory for NF1 testing. ClinVar contains an entry for this variant (Variation ID: 439995). For these reasons, this variant has been classified as Pathogenic.

GeneDx
Classification: Pathogenic. Last evaluated: 2025-05-01. Review status: criteria provided, single submitter. Criteria: GeneDx Variant Classification Process June 2021. Collection method: clinical testing. Allele origin: germline. Affected: yes.
Comment: Nonsense variant predicted to result in protein truncation or nonsense mediated decay in a gene for which loss of function is a known mechanism of disease; Not observed at significant frequency in large population cohorts (gnomAD); This variant is associated with the following publications: (PMID: 23913538, 32437637, 21512413)

Quest Diagnostics Nichols Institute San Juan Capistrano
Classification: Pathogenic. Last evaluated: 2024-03-21. Review status: criteria provided, single submitter. Criteria: Quest Diagnostics criteria. Collection method: clinical testing. Allele origin: unknown.
Comment: The NF1 c.1094C>G (p.Ser365*) variant causes the premature termination of NF1 protein synthesis. This variant has been reported in the published literature in an individual with neurofibromatosis type 1 (NF1) (PMID: 21512413 (2011)). This variant has not been reported in large, multi-ethnic general populations (Genome Aggregation Database). Based on the available information, this variant is classified as pathogenic.

Blueprint Genetics
Classification: Pathogenic for NF1-related disorders. Last evaluated: 2022-10-25. Review status: criteria provided, single submitter. Criteria: ACMG Guidelines, 2015. Collection method: clinical testing. Allele origin: germline. Affected: yes. Observed: 2 variant alleles.

Genome-Nilou Lab
Classification: Pathogenic for Neurofibromatosis, type 1. Last evaluated: 2022-03-15. Review status: criteria provided, single submitter. Criteria: ACMG Guidelines, 2015. Collection method: clinical testing. Allele origin: germline. Affected: no.

ARUP Laboratories, Molecular Genetics and Genomics, ARUP Laboratories
Classification: Pathogenic. Last evaluated: 2017-01-30. Review status: criteria provided, single submitter. Criteria: ARUP Molecular Germline Variant Investigation Process. Collection method: clinical testing. Allele origin: germline.

Literature cited by the submitters: PubMed 10712197 (cited by Labcorp Genetics (formerly Invitae), Labcorp); PubMed 23913538 (cited by Labcorp Genetics (formerly Invitae), Labcorp); PubMed 21512413 (cited by Labcorp Genetics (formerly Invitae), Labcorp and Quest Diagnostics Nichols Institute San Juan Capistrano).